The following is an entry in ClinVar:

ClinVar aggregate classification (germline): Pathogenic. Review status: criteria provided, multiple submitters, no conflicts (2 of 4 stars). 2 submissions from 2 submitters: Pathogenic (2). Last evaluated 2024-01-02.

Conditions:
Metaphyseal chondrodysplasia, Schmid type (MCDS). Also called: SPONDYLOMETAPHYSEAL DYSPLASIA, JAPANESE TYPE. Identifiers: Orphanet 174, MedGen C0265289, MONDO:0007983, OMIM 156500.

Submissions (2):

Labcorp Genetics (formerly Invitae), Labcorp
Classification: Pathogenic. Last evaluated: 2024-01-02. Review status: criteria provided, single submitter. Criteria: Invitae Variant Classification Sherloc (09022015). Collection method: clinical testing. Allele origin: germline.
Comment: This sequence change creates a premature translational stop signal (p.Tyr663*) in the COL10A1 gene. While this is not anticipated to result in nonsense mediated decay, it is expected to disrupt the last 18 amino acid(s) of the COL10A1 protein. This variant is not present in population databases (gnomAD no frequency). This premature translational stop signal has been observed in individuals with clinical features of autosomal dominant metaphyseal chondrodysplasia, Schmid type (PMID: 16088909; Invitae). ClinVar contains an entry for this variant (Variation ID: 1062777). Algorithms developed to predict the effect of variants on protein structure and function are not available or were not evaluated for this variant. Experimental studies have shown that this premature translational stop signal affects COL10A1 function (PMID: 20872587). This variant is located in a region of the COL10A1 protein where a significant number of COL10A1 nonsense and frameshift mutations have been reported in association with autosomal dominant metaphyseal chondrodysplasia (PMID: 21447328, 33764685, 36400164). For these reasons, this variant has been classified as Pathogenic.

Kasturba Medical College, Manipal, Kasturba Medical College, Manipal, Manipal Academy of Higher Education, Manipal, India
Classification: Pathogenic for Metaphyseal chondrodysplasia, Schmid type. Review status: criteria provided, single submitter. Criteria: ACMG Guidelines, 2015. Collection method: clinical testing. Allele origin: de novo. Inheritance: Autosomal dominant inheritance. Affected: yes.

Literature cited by the submitters: PubMed 16088909 (cited by Labcorp Genetics (formerly Invitae), Labcorp); PubMed 20872587 (cited by Labcorp Genetics (formerly Invitae), Labcorp); PubMed 21447328 (cited by Labcorp Genetics (formerly Invitae), Labcorp); PubMed 33764685 (cited by Labcorp Genetics (formerly Invitae), Labcorp); PubMed 36400164 (cited by Labcorp Genetics (formerly Invitae), Labcorp); PubMed 30408610 (cited by Kasturba Medical College, Manipal, Kasturba Medical College, Manipal, Manipal Academy of Higher Education, Manipal, India).

NM_000493.4(COL10A1):c.1989C>A (p.Tyr663Ter)

Genes: COL10A1 (collagen type X alpha 1 chain; minus strand), NT5DC1 (5'-nucleotidase domain containing 1; plus strand). Cytogenetic location: 6q22.1.
Variant type: single nucleotide variant.
Coding change: c.1989C>A on transcript NM_000493.4 (MANE Select); coding-DNA position 1989, C replaced by A.
Protein change: p.Tyr663Ter; replaces tyrosine 663 with a stop codon.
Molecular consequence: nonsense. On other transcripts: intron variant (1).
Genome position (GRCh38, 1-based): chr6:116,120,127, G>T on the plus strand (C>A on the coding strand, the complement: COL10A1 is on the minus strand). VCF-style: chr6-116120127-G-T. GRCh37 (hg19) VCF-style: chr6-116441290-G-T.
Other names: c.1989C>A, p.Tyr663Ter (NM_001424106.1, NM_001424107.1); c.529+2182G>T (NM_152729.3); short protein forms Y663*.
Identifiers: ClinVar variation 1062777 (VCV001062777.10), dbSNP rs2114276588, ClinGen allele CA365386251.